The following is an entry in ClinVar:

ClinVar aggregate classification (germline): Uncertain significance (1 of 4 stars; one submission).

Conditions:
TMEM67-related disorder. Also called: TMEM67-related condition; TMEM67-related disorders. Identifiers: MedGen CN239423.

gnomAD v4.1: 5 of 1,614,098 alleles (0.00031%); highest among the groups gnomAD compares: African/African-American, 0.0027%; no homozygotes.

Submission:

PreventionGenetics, part of Exact Sciences
Classification: Uncertain significance for TMEM67-related condition. Last evaluated: 2026-09-24. Review status: criteria provided, single submitter. Criteria: ACMG Guidelines, 2015. Collection method: clinical testing. Allele origin: germline.
Comment: The TMEM67 c.1966G>A variant is predicted to result in the amino acid substitution p.Gly656Ser. To our knowledge, this variant has not been reported in the literature. This variant is reported in 0.0029% of alleles in individuals of Latino descent in gnomAD. At this time, the clinical significance of this variant is uncertain due to the absence of conclusive functional and genetic evidence.

NM_153704.6(TMEM67):c.1966G>A (p.Gly656Ser)

Gene: TMEM67 (transmembrane protein 67; plus strand). Cytogenetic location: 8q22.1.
Variant type: single nucleotide variant.
Coding change: c.1966G>A on transcript NM_153704.6 (MANE Select); coding-DNA position 1966, G replaced by A.
Protein change: p.Gly656Ser; replaces glycine 656 with serine.
Molecular consequence: missense variant. On other transcripts: non-coding transcript variant (1).
Genome position (GRCh38, 1-based): chr8:93,797,336, G>A. VCF-style: chr8-93797336-G-A. GRCh37 (hg19) VCF-style: chr8-94809564-G-A.
Other names: c.1723G>A, p.Gly575Ser (NM_001142301.1); short protein forms G575S, G656S.
Identifiers: ClinVar variation 4992649 (VCV004992649.1).